The following is an entry in ClinVar:

NM_000686.5(AGTR2):c.559A>G (p.Ile187Val)

Gene: AGTR2 (angiotensin II receptor type 2; plus strand). Cytogenetic location: Xq23.
Variant type: single nucleotide variant.
Coding change: c.559A>G on transcript NM_000686.5 (MANE Select); coding-DNA position 559, A replaced by G.
Protein change: p.Ile187Val; replaces isoleucine 187 with valine.
Molecular consequence: missense variant.
Genome position (GRCh38, 1-based): chrX:116,172,839, A>G. VCF-style: chrX-116172839-A-G. GRCh37 (hg19) VCF-style: chrX-115304092-A-G.
Other names: short protein forms I187V.
Identifiers: ClinVar variation 385148 (VCV000385148.2), dbSNP rs1057522135, ClinGen allele CA16608726.
Genomic context (GRCh38, chrX:116,172,839, plus strand): 5'-GTTTGGTGTATGGCCTGTTTGTCCTCATTGCCAACATTTTATTTTCGAGACGTCAGAACC[A>G]TTGAATACTTAGGAGTGAATGCTTGCATTATGGCTTTCCCACCTGAGAAATATGCCCAAT-3'
Protein context (NP_000677.2, residues 177-197): PTFYFRDVRT[Ile187Val]EYLGVNACIM

ClinVar aggregate classification (germline): Uncertain significance (1 of 4 stars; one submission).

Submission:

GeneDx
Classification: Uncertain significance. Last evaluated: 2016-03-23. Review status: criteria provided, single submitter. Criteria: GeneDx Variant Classification (06012015). Collection method: clinical testing. Allele origin: germline. Affected: yes.
Comment: The I187V variant in the AGTR2 gene has not been reported previously as a pathogenic variant, nor as a benign variant, to our knowledge. This variant was not observed in approximately 6500 individuals of European and African American ancestry in the NHLBI Exome Sequencing Project, indicating it is not a common benign variant in these populations. The I187V variant is a conservative amino acid substitution, which is not likely to impact secondary protein structure as these residues share similar properties. This substitution occurs at a position that is not conserved. In silico analysis is inconsistent in its predictions as to whether or not the variant is damaging to the protein structure/function. We interpret I187V as a variant of uncertain significance.